The following is an entry in ClinVar:

NM_000017.4(ACADS):c.320G>A (p.Arg107His)

Gene: ACADS (acyl-CoA dehydrogenase short chain; plus strand). Cytogenetic location: 12q24.31.
Variant type: single nucleotide variant.
Coding change: c.320G>A on transcript NM_000017.4 (MANE Select); coding-DNA position 320, G replaced by A.
Protein change: p.Arg107His; replaces arginine 107 with histidine.
Molecular consequence: missense variant.
Genome position (GRCh38, 1-based): chr12:120,737,095, G>A. VCF-style: chr12-120737095-G-A. GRCh37 (hg19) VCF-style: chr12-121174898-G-A.
Other names: c.320G>A, p.Arg107His (NM_001302554.2); short protein forms R107H.
Identifiers: ClinVar variation 3574271 (VCV003574271.3).

ClinVar aggregate classification (germline): Conflicting classifications of pathogenicity. Review status: criteria provided, conflicting classifications (1 of 4 stars). 2 submissions from 2 submitters: Likely pathogenic (1); Uncertain significance (1). Last evaluated 2025-10-06.

Conditions:
Deficiency of butyryl-CoA dehydrogenase (ACADSD). Also called: SCADH DEFICIENCY; SCAD DEFICIENCY, MILD; ACYL-CoA DEHYDROGENASE, SHORT-CHAIN, DEFICIENCY OF; SCAD Deficiency; ACADS DEFICIENCY; Short-Chain Acyl-CoA Dehydrogenase Deficiency. Identifiers: Orphanet 26792, MedGen C0342783, MONDO:0008722, OMIM 201470. Disease mechanism: May be benign.

gnomAD v4.1: 39 of 1,597,740 alleles (0.0024%); highest among the groups gnomAD compares: East Asian, 0.0045%; 1 homozygote.

Submissions (2):

Labcorp Genetics (formerly Invitae), Labcorp
Classification: Uncertain significance for Deficiency of butyryl-CoA dehydrogenase. Last evaluated: 2025-10-06. Review status: criteria provided, single submitter. Criteria: Invitae Variant Classification Sherloc (09022015). Collection method: clinical testing. Allele origin: germline.
Comment: This sequence change replaces arginine, which is basic and polar, with histidine, which is basic and polar, at codon 107 of the ACADS protein (p.Arg107His). The frequency data for this variant in the population databases is considered unreliable, as metrics indicate poor data quality at this position in the gnomAD database. This missense change has been observed in individual(s) with short-chain acyl-CoA dehydrogenase deficiency (PMID: 22241096). ClinVar contains an entry for this variant (Variation ID: 3574271). Invitae Evidence Modeling of protein sequence and biophysical properties (such as structural, functional, and spatial information, amino acid conservation, physicochemical variation, residue mobility, and thermodynamic stability) indicates that this missense variant is expected to disrupt ACADS protein function with a positive predictive value of 80%. This variant disrupts the p.Arg107 amino acid residue in ACADS. Other variant(s) that disrupt this residue have been determined to be pathogenic (PMID: 18054510, 18523805, 18676165, 21170680, 24485985). This suggests that this residue is clinically significant, and that variants that disrupt this residue are likely to be disease-causing. In summary, the available evidence is currently insufficient to determine the role of this variant in disease. Therefore, it has been classified as a Variant of Uncertain Significance.

Fulgent Genetics
Classification: Likely pathogenic for Deficiency of butyryl-CoA dehydrogenase. Last evaluated: 2024-06-25. Review status: criteria provided, single submitter. Criteria: ACMG Guidelines, 2015. Collection method: clinical testing. Allele origin: germline.

Literature cited by the submitters: PubMed 22241096 (cited by Labcorp Genetics (formerly Invitae), Labcorp); PubMed 18054510 (cited by Labcorp Genetics (formerly Invitae), Labcorp); PubMed 18523805 (cited by Labcorp Genetics (formerly Invitae), Labcorp); PubMed 18676165 (cited by Labcorp Genetics (formerly Invitae), Labcorp); PubMed 21170680 (cited by Labcorp Genetics (formerly Invitae), Labcorp); PubMed 24485985 (cited by Labcorp Genetics (formerly Invitae), Labcorp).